The following is an entry in ClinVar:

ClinVar aggregate classification (germline): Pathogenic (1 of 4 stars; one submission).

Conditions:
Early-infantile DEE. Also called: Ohtahara syndrome; Early infantile epileptic encephalopathy with suppression bursts; Early infantile epileptic encephalopathy. Identifiers: Orphanet 1934, MedGen C0393706, MONDO:0800491.

Submission:

Labcorp Genetics (formerly Invitae), Labcorp
Classification: Pathogenic for Early-infantile DEE. Last evaluated: 2020-08-08. Review status: criteria provided, single submitter. Criteria: Invitae Variant Classification Sherloc (09022015). Collection method: clinical testing. Allele origin: germline.
Comment: This variant is not present in population databases (ExAC no frequency). For these reasons, this variant has been classified as Pathogenic. This variant disrupts the C-terminus of the SCN1A protein. Other variant(s) that disrupt this region (p.Arg1912*) have been determined to be pathogenic (PMID: 14738421, 23195492, 20522430, Invitae). This suggests that variants that disrupt this region of the protein are likely to be causative of disease. This variant has not been reported in the literature in individuals with SCN1A-related conditions. This sequence change results in a premature translational stop signal in the SCN1A gene (p.Gln1888Aspfs*56). While this is not anticipated to result in nonsense mediated decay, it is expected to disrupt the last 122 amino acids of the SCN1A protein.

Literature cited by the submitters: PubMed 14738421; PubMed 23195492; PubMed 20522430.

NM_001165963.4(SCN1A):c.5662_5663del (p.Gln1888fs)

Genes: SCN1A (sodium voltage-gated channel alpha subunit 1; minus strand), LOC102724058 (uncharacterized LOC102724058; plus strand). Cytogenetic location: 2q24.3.
Variant type: Deletion.
Coding change: c.5662_5663del on transcript NM_001165963.4 (MANE Select); coding-DNA positions 5662 to 5663, 2 bases deleted (CA; older notation c.5662_5663delCA).
Protein change: p.Gln1888fs; shifts the reading frame from glutamine 1888.
Molecular consequence: frameshift variant. On other transcripts: non-coding transcript variant (1).
Genome position (GRCh38, 1-based): chr2:165,991,612-165,991,613, TG deleted on the plus strand (CA on the coding strand, the reverse complement: SCN1A is on the minus strand); deleting any 2 consecutive bases within chr2:165,991,612-165,991,614 gives the same sequence; the c. name uses the placement nearest the transcript's 3' end. VCF-style (leftmost placement, unchanged base first): chr2-165991611-CTG-C. GRCh37 (hg19) VCF-style: chr2-166848121-CTG-C.
Other names: c.5578_5579del, p.Gln1860fs (NM_001165964.3, NM_001353957.2, NM_001353958.2); c.5662_5663del, p.Gln1888fs (NM_001202435.3, NM_001353948.2); c.5629_5630del, p.Gln1877fs (NM_001353949.2, NM_001353950.2, NM_001353951.2 and 2 more transcripts); c.5626_5627del, p.Gln1876fs (NM_001353954.2, NM_001353955.2); c.5575_5576del, p.Gln1859fs (NM_001353960.2); c.3220_3221del, p.Gln1074fs (NM_001353961.2); short protein forms Q1074fs, Q1859fs, Q1860fs, Q1876fs, Q1877fs, Q1888fs.
Identifiers: ClinVar variation 1075857 (VCV001075857.10), dbSNP rs2105424748, ClinGen allele CA2499215164.
Genomic context (GRCh38, chr2:165,991,611, plus strand): 5'-AGTAGTGATTGGCTGATAGGAGACCTTGGAAGGATTGGAAGCCATGAATCGCTCTTCCAT[CTG>C]TATTCGTAGAGCATCCATCTCTCCACTCTCTCCTAGAACCCGCTTTGTAAAAGCAAATAA-3'